The following is an entry in ClinVar:

NM_005732.4(RAD50):c.999_1002del (p.Asn333fs)

Gene: RAD50 (RAD50 double strand break repair protein; plus strand). Cytogenetic location: 5q31.1.
Variant type: Microsatellite.
Coding change: c.999_1002del on transcript NM_005732.4 (MANE Select); coding-DNA positions 999 to 1002, 4 bases deleted (TAAA; older notation c.999_1002delTAAA).
Protein change: p.Asn333fs; shifts the reading frame from asparagine 333.
Molecular consequence: frameshift variant.
Genome position (GRCh38, 1-based): chr5:132,588,037-132,588,040, TAAA deleted; deleting any 4 consecutive bases within chr5:132,588,033-132,588,040 gives the same sequence; the c. name uses the placement nearest the transcript's 3' end. VCF-style (leftmost placement, unchanged base first): chr5-132588032-CTAAA-C. GRCh37 (hg19) VCF-style: chr5-131923724-CTAAA-C.
Other names: short protein forms N333fs.
Identifiers: ClinVar variation 823593 (VCV000823593.11), dbSNP rs1580992265, ClinGen allele CA915943546.

ClinVar aggregate classification (germline): Pathogenic/Likely pathogenic. Review status: criteria provided, multiple submitters, no conflicts (2 of 4 stars). 3 submissions from 3 submitters: Pathogenic (2); Likely pathogenic (1). Last evaluated 2023-07-28.

Conditions:
Hereditary cancer-predisposing syndrome. Also called: Neoplastic Syndromes, Hereditary; Tumor predisposition; Hereditary neoplastic syndrome; Hereditary Cancer Syndrome. Identifiers: Orphanet 140162, MedGen C0027672, MeSH D009386, MONDO:0015356.
RAD50-related disorder. Also called: RAD50-related condition.

Submissions (3):

PreventionGenetics, part of Exact Sciences
Classification: Likely pathogenic for RAD50-related condition. Last evaluated: 2023-07-28. Review status: criteria provided, single submitter. Criteria: ACMG Guidelines, 2015. Collection method: clinical testing. Allele origin: germline.
Comment: The RAD50 c.999_1002delTAAA variant is predicted to result in a frameshift and premature protein termination (p.Asn333Lysfs*37). To our knowledge, this variant has not been reported in the literature or in a large population database, indicating this variant is rare. Frameshift variants in RAD50 are expected to be pathogenic. This variant is interpreted as likely pathogenic.

Ambry Genetics
Classification: Pathogenic for Hereditary cancer-predisposing syndrome. Last evaluated: 2023-01-09. Review status: criteria provided, single submitter. Criteria: Ambry Variant Classification Scheme 2023. Collection method: clinical testing. Allele origin: germline.
Comment: The c.999_1002delTAAA pathogenic mutation, located in coding exon 7 of the RAD50 gene, results from a deletion of 4 nucleotides at nucleotide positions 999 to 1002, causing a translational frameshift with a predicted alternate stop codon (p.N333Kfs*37). This variant is considered to be rare based on population cohorts in the Genome Aggregation Database (gnomAD). This alteration is expected to result in loss of function by premature protein truncation or nonsense-mediated mRNA decay. As such, this alteration is interpreted as a disease-causing mutation.

Labcorp Genetics (formerly Invitae), Labcorp
Classification: Pathogenic for Hereditary cancer-predisposing syndrome. Last evaluated: 2021-09-18. Review status: criteria provided, single submitter. Criteria: Invitae Variant Classification Sherloc (09022015). Collection method: clinical testing. Allele origin: germline.
Comment: For these reasons, this variant has been classified as Pathogenic. ClinVar contains an entry for this variant (Variation ID: 823593). This variant has not been reported in the literature in individuals affected with RAD50-related conditions. This variant is not present in population databases (ExAC no frequency). This sequence change creates a premature translational stop signal (p.Asn333Lysfs*37) in the RAD50 gene. It is expected to result in an absent or disrupted protein product. Loss-of-function variants in RAD50 are known to be pathogenic (PMID: 19409520).

Literature cited by the submitters: PubMed 19409520 (cited by Labcorp Genetics (formerly Invitae), Labcorp).